The following is an entry in ClinVar:

NM_001165963.4(SCN1A):c.1223T>C (p.Phe408Ser)

Gene: SCN1A (sodium voltage-gated channel alpha subunit 1; minus strand). Cytogenetic location: 2q24.3.
Variant type: single nucleotide variant.
Coding change: c.1223T>C on transcript NM_001165963.4 (MANE Select); coding-DNA position 1223, T replaced by C.
Protein change: p.Phe408Ser; replaces phenylalanine 408 with serine.
Molecular consequence: missense variant. On other transcripts: 5 prime UTR variant (1), non-coding transcript variant (1).
Genome position (GRCh38, 1-based): chr2:166,046,924, A>G on the plus strand (T>C on the coding strand, the complement: SCN1A is on the minus strand). VCF-style: chr2-166046924-A-G. GRCh37 (hg19) VCF-style: chr2-166903434-A-G.
Other names: c.1223T>C, p.Phe408Ser (NM_001165964.3, NM_001202435.3, NM_001353948.2 and 10 more transcripts); c.-1203T>C (NM_001353961.2); short protein forms F408S.
Identifiers: ClinVar variation 4800289 (VCV004800289.1).

ClinVar aggregate classification (germline): Uncertain significance (1 of 4 stars; one submission).

Conditions:
Early-infantile DEE. Also called: Early infantile epileptic encephalopathy with suppression bursts; Early infantile epileptic encephalopathy; Ohtahara syndrome. Identifiers: Orphanet 1934, MedGen C0393706, MONDO:0800491.

Submission:

Labcorp Genetics (formerly Invitae), Labcorp
Classification: Uncertain significance for Early-infantile DEE. Last evaluated: 2025-06-15. Review status: criteria provided, single submitter. Criteria: Invitae Variant Classification Sherloc (09022015). Collection method: clinical testing. Allele origin: germline.
Comment: This sequence change replaces phenylalanine, which is neutral and non-polar, with serine, which is neutral and polar, at codon 408 of the SCN1A protein (p.Phe408Ser). This variant is not present in population databases (gnomAD no frequency). This variant has not been reported in the literature in individuals affected with SCN1A-related conditions. Invitae Evidence Modeling of protein sequence and biophysical properties (such as structural, functional, and spatial information, amino acid conservation, physicochemical variation, residue mobility, and thermodynamic stability) indicates that this missense variant is expected to disrupt SCN1A protein function with a positive predictive value of 95%. In summary, the available evidence is currently insufficient to determine the role of this variant in disease. Therefore, it has been classified as a Variant of Uncertain Significance.